The following is an entry in ClinVar:

ClinVar aggregate classification (germline): Likely benign. Review status: criteria provided, multiple submitters, no conflicts (2 of 4 stars). 2 submissions from 2 submitters: Likely benign (2). Last evaluated 2026-08-01.

Allele frequency attached by ClinVar (database versions not stated): gnomAD 0.00001; TOPMed 0.00004; ExAC 0.00011.
gnomAD v4.1: 39 of 1,608,996 alleles (0.0024%); highest among the groups gnomAD compares: Admixed American, 0.037%; no homozygotes.

Submissions (2):

CeGaT Center for Human Genetics Tuebingen
Classification: Likely benign. Last evaluated: 2026-08-01. Review status: criteria provided, single submitter. Criteria: CeGaT Center For Human Genetics Tuebingen Variant Classification Criteria Version 2. Collection method: clinical testing. Allele origin: germline. Affected: yes. Observed: 1 variant allele.
Comment: TELO2: BP4, BP7

Labcorp Genetics (formerly Invitae), Labcorp
Classification: Likely benign. Last evaluated: 2025-12-12. Review status: criteria provided, single submitter. Criteria: Invitae Variant Classification Sherloc (09022015). Collection method: clinical testing. Allele origin: germline.

NM_016111.4(TELO2):c.570G>A (p.Glu190=)

Gene: TELO2 (telomere maintenance 2; plus strand). Cytogenetic location: 16p13.3.
Variant type: single nucleotide variant.
Coding change: c.570G>A on transcript NM_016111.4 (MANE Select); coding-DNA position 570, G replaced by A.
Protein change: p.Glu190=; no amino-acid change (glutamic acid 190 retained).
Molecular consequence: synonymous variant.
Genome position (GRCh38, 1-based): chr16:1,495,580, G>A. VCF-style: chr16-1495580-G-A. GRCh37 (hg19) VCF-style: chr16-1545581-G-A.
Other names: c.570G>A, p.Glu190= (NM_001351846.2).
Identifiers: ClinVar variation 1908536 (VCV001908536.6), dbSNP rs751825612, ClinGen allele CA7811675.